The following is an entry in ClinVar:

NM_172107.4(KCNQ2):c.457C>T (p.Arg153Trp)

Gene: KCNQ2 (potassium voltage-gated channel subfamily Q member 2; minus strand). Cytogenetic location: 20q13.33.
Variant type: single nucleotide variant.
Coding change: c.457C>T on transcript NM_172107.4 (MANE Select); coding-DNA position 457, C replaced by T.
Protein change: p.Arg153Trp; replaces arginine 153 with tryptophan.
Molecular consequence: missense variant.
Genome position (GRCh38, 1-based): chr20:63,445,295, G>A on the plus strand (C>T on the coding strand, the complement: KCNQ2 is on the minus strand). VCF-style: chr20-63445295-G-A. GRCh37 (hg19) VCF-style: chr20-62076648-G-A.
Other names: c.457C>T, p.Arg153Trp (NM_001382235.1, NM_004518.6, NM_172106.3 and 2 more transcripts); short protein forms R153W.
Identifiers: ClinVar variation 1809999 (VCV001809999.4), dbSNP rs1568941635, ClinGen allele CA409655308.

ClinVar aggregate classification (germline): Uncertain significance. Review status: criteria provided, multiple submitters, no conflicts (2 of 4 stars). 2 submissions from 2 submitters: Uncertain significance (2). Last evaluated 2023-11-02.

Conditions:
Early-infantile DEE. Also called: Ohtahara syndrome; Early infantile epileptic encephalopathy with suppression bursts; Early infantile epileptic encephalopathy. Identifiers: Orphanet 1934, MedGen C0393706, MONDO:0800491.

Allele frequency attached by ClinVar (database versions not stated): gnomAD exomes below 0.00001.
gnomAD v4.1: 1 of 1,613,830 alleles (0.000062%); highest among the groups gnomAD compares: Non-Finnish European, 0.000085%; no homozygotes.

Submissions (2):

Labcorp Genetics (formerly Invitae), Labcorp
Classification: Uncertain significance for Early-infantile DEE. Last evaluated: 2023-11-02. Review status: criteria provided, single submitter. Criteria: Invitae Variant Classification Sherloc (09022015). Collection method: clinical testing. Allele origin: germline.
Comment: This sequence change replaces arginine, which is basic and polar, with tryptophan, which is neutral and slightly polar, at codon 153 of the KCNQ2 protein (p.Arg153Trp). This variant is not present in population databases (gnomAD no frequency). This variant has not been reported in the literature in individuals affected with KCNQ2-related conditions. ClinVar contains an entry for this variant (Variation ID: 1809999). Advanced modeling of protein sequence and biophysical properties (such as structural, functional, and spatial information, amino acid conservation, physicochemical variation, residue mobility, and thermodynamic stability) performed at Invitae indicates that this missense variant is expected to disrupt KCNQ2 protein function with a positive predictive value of 95%. In summary, the available evidence is currently insufficient to determine the role of this variant in disease. Therefore, it has been classified as a Variant of Uncertain Significance.

GeneDx
Classification: Uncertain significance. Last evaluated: 2022-06-28. Review status: criteria provided, single submitter. Criteria: GeneDx Variant Classification Process June 2021. Collection method: clinical testing. Allele origin: germline. Affected: yes.
Comment: Not observed at significant frequency in large population cohorts (gnomAD); Missense variants in this gene are often considered pathogenic (HGMD); In silico analysis supports that this missense variant has a deleterious effect on protein structure/function; This substitution is predicted to be within the intracellular loop between the S2 and S3 transmembrane segments; Has not been previously published as pathogenic or benign to our knowledge